The following is an entry in ClinVar:

NM_001429.4(EP300):c.4353T>C (p.His1451=)

Gene: EP300 (EP300 lysine acetyltransferase; plus strand). Cytogenetic location: 22q13.2.
Variant type: single nucleotide variant.
Coding change: c.4353T>C on transcript NM_001429.4 (MANE Select); coding-DNA position 4353, T replaced by C.
Protein change: p.His1451=; no amino-acid change (histidine 1451 retained).
Molecular consequence: synonymous variant.
Genome position (GRCh38, 1-based): chr22:41,170,472, T>C. VCF-style: chr22-41170472-T-C. GRCh37 (hg19) VCF-style: chr22-41566476-T-C.
Other names: c.4353T>C (NM_001429.3); c.4275T>C, p.His1425= (NM_001362843.2).
Identifiers: ClinVar variation 2163876 (VCV002163876.6), dbSNP rs373752539, ClinGen allele CA10253418.

ClinVar aggregate classification (germline): Likely benign. Review status: criteria provided, single submitter (1 of 4 stars). 2 submissions from 2 submitters: Likely benign (1). 1 of the submissions does not count toward it. Last evaluated 2022-09-14.

Conditions:
EP300-related disorder. Also called: EP300-related condition; EP300-related disorders.
Rubinstein-Taybi syndrome due to EP300 haploinsufficiency. Also called: EP300-Related Rubinstein-Taybi Syndrome; RUBINSTEIN-TAYBI SYNDROME 2. Identifiers: Orphanet 353284, Orphanet 783, MedGen C3150941, MONDO:0013364, OMIM 613684.

Allele frequency attached by ClinVar (database versions not stated): ExAC 0.00001; gnomAD 0.00001; TOPMed 0.00001; ESP Exome Variant Server 0.00008; gnomAD exomes 0.00003.
gnomAD v4.1: 47 of 1,613,758 alleles (0.0029%); highest among the groups gnomAD compares: Non-Finnish European, 0.0039%; no homozygotes.

Submissions (2):

Labcorp Genetics (formerly Invitae), Labcorp
Classification: Likely benign for Rubinstein-Taybi syndrome due to EP300 haploinsufficiency. Last evaluated: 2022-09-14. Review status: criteria provided, single submitter. Criteria: Invitae Variant Classification Sherloc (09022015). Collection method: clinical testing. Allele origin: germline.

PreventionGenetics, part of Exact Sciences
Classification: Likely benign for EP300-related condition. Last evaluated: 2023-10-17. Review status: no assertion criteria provided. Collection method: clinical testing. Allele origin: germline. Not counted in ClinVar's aggregate classification.
Comment: This variant is classified as likely benign based on ACMG/AMP sequence variant interpretation guidelines (Richards et al. 2015 PMID: 25741868, with internal and published modifications).